The following is an entry in ClinVar:

ClinVar aggregate classification (germline): Uncertain significance. Review status: criteria provided, multiple submitters, no conflicts (2 of 4 stars). 2 submissions from 2 submitters: Uncertain significance (2). Last evaluated 2025-05-16.

Conditions:
Hereditary cancer-predisposing syndrome. Also called: Neoplastic Syndromes, Hereditary; Tumor predisposition; Hereditary neoplastic syndrome; Hereditary Cancer Syndrome. Identifiers: Orphanet 140162, MedGen C0027672, MeSH D009386, MONDO:0015356.
Neuroblastoma, susceptibility to, 3. Also called: ALK-Related Neuroblastic Tumor Susceptibility. Identifiers: Orphanet 635, MedGen C2751681, MONDO:0013083, OMIM 613014.

Submissions (2):

Ambry Genetics
Classification: Uncertain significance for Hereditary cancer-predisposing syndrome. Last evaluated: 2025-05-16. Review status: criteria provided, single submitter. Criteria: Ambry Variant Classification Scheme 2023. Collection method: clinical testing. Allele origin: germline.
Comment: The p.E916G variant (also known as c.2747A>G), located in coding exon 16 of the ALK gene, results from an A to G substitution at nucleotide position 2747. The glutamic acid at codon 916 is replaced by glycine, an amino acid with similar properties. This amino acid position is conserved. In addition, the in silico prediction for this alteration is inconclusive. Since supporting evidence is limited at this time, the clinical significance of this alteration remains unclear.

Labcorp Genetics (formerly Invitae), Labcorp
Classification: Uncertain significance for Neuroblastoma, susceptibility to, 3. Last evaluated: 2024-06-19. Review status: criteria provided, single submitter. Criteria: Invitae Variant Classification Sherloc (09022015). Collection method: clinical testing. Allele origin: germline.
Comment: This sequence change replaces glutamic acid, which is acidic and polar, with glycine, which is neutral and non-polar, at codon 916 of the ALK protein (p.Glu916Gly). The frequency data for this variant in the population databases is considered unreliable, as metrics indicate poor data quality at this position in the gnomAD database. This variant has not been reported in the literature in individuals affected with ALK-related conditions. ClinVar contains an entry for this variant (Variation ID: 1795492). An algorithm developed to predict the effect of missense changes on protein structure and function (PolyPhen-2) suggests that this variant is likely to be disruptive. In summary, the available evidence is currently insufficient to determine the role of this variant in disease. Therefore, it has been classified as a Variant of Uncertain Significance.

NM_004304.5(ALK):c.2747A>G (p.Glu916Gly)

Gene: ALK (ALK receptor tyrosine kinase; minus strand). Cytogenetic location: 2p23.2.
Variant type: single nucleotide variant.
Coding change: c.2747A>G on transcript NM_004304.5 (MANE Select); coding-DNA position 2747, A replaced by G.
Protein change: p.Glu916Gly; replaces glutamic acid 916 with glycine.
Molecular consequence: missense variant.
Genome position (GRCh38, 1-based): chr2:29,228,952, T>C on the plus strand (A>G on the coding strand, the complement: ALK is on the minus strand). VCF-style: chr2-29228952-T-C. GRCh37 (hg19) VCF-style: chr2-29451818-T-C.
Other names: short protein forms E916G.
Identifiers: ClinVar variation 1795492 (VCV001795492.8), dbSNP rs1350965593, ClinGen allele CA346469706.